The following is an entry in ClinVar:

ClinVar aggregate classification (germline): Likely pathogenic (1 of 4 stars; one submission).

Conditions:
Charcot-Marie-Tooth disease axonal type 2P. Also called: CHARCOT-MARIE-TOOTH NEUROPATHY, TYPE 2P; CHARCOT-MARIE-TOOTH DISEASE, AXONAL, TYPE 2G; CMT 2G; Charcot-Marie-Tooth Neuropathy Type 2G. Identifiers: Orphanet 300319, Orphanet 99941, MedGen C3280797, MONDO:0013753, OMIM 614436.

Submission:

Labcorp Genetics (formerly Invitae), Labcorp
Classification: Likely pathogenic for Charcot-Marie-Tooth disease type 2P. Last evaluated: 2019-06-24. Review status: criteria provided, single submitter. Criteria: Invitae Variant Classification Sherloc (09022015). Collection method: clinical testing. Allele origin: germline.
Comment: This variant is a gross deletion of the genomic region encompassing exon 25 of the LRSAM1 gene. The 5' boundary is likely confined to intron 24. The 3' end of this event is unknown as it extends through the termination codon beyond the assayed region for this gene and may encompass additional genes. While this deletion is not anticipated to result in nonsense mediated decay, it is expected to create a truncated protein product or disrupt mRNA translation. This variant has not been reported in the literature in an individual with an LRSAM1-related disease. This deletion encompasses the functionally conserved RING domain of the LRSAM1 protein (PMID: 24894446, 28335037) and a significant number of previously reported autosomal dominant LRSAM1 mutations have been found to disrupt this domain (PMID: 24894446, 28335037, 22781092, 26752306). These observations suggest that a novel deletion of this domain may affect protein function, but experiments have not been done to test this possibility. In summary, the currently available evidence indicates that the variant is pathogenic, but additional data are needed to prove that conclusively. Therefore, this variant has been classified as Likely Pathogenic.

Literature cited by the submitters: PubMed 24894446; PubMed 22781092; PubMed 26752306; PubMed 28335037.

NC_000009.12:g.(?_127502764)_(127502909_?)del

Gene: LRSAM1 (leucine rich repeat and sterile alpha motif containing 1; plus strand). Cytogenetic location: 9q33.3.
Variant type: Deletion.
Identifiers: ClinVar variation 831957 (VCV000831957.1).